The following is an entry in ClinVar:

NM_007118.4(TRIO):c.8486A>G (p.Lys2829Arg)

Gene: TRIO (trio Rho guanine nucleotide exchange factor; plus strand). Cytogenetic location: 5p15.2.
Variant type: single nucleotide variant.
Coding change: c.8486A>G on transcript NM_007118.4 (MANE Select); coding-DNA position 8486, A replaced by G.
Protein change: p.Lys2829Arg; replaces lysine 2829 with arginine.
Molecular consequence: missense variant. On other transcripts: non-coding transcript variant (1).
Genome position (GRCh38, 1-based): chr5:14,504,467, A>G. VCF-style: chr5-14504467-A-G. GRCh37 (hg19) VCF-style: chr5-14504576-A-G.
Other names: short protein forms K2829R.
Identifiers: ClinVar variation 4886707 (VCV004886707.2).

ClinVar aggregate classification (germline): Uncertain significance (1 of 4 stars; one submission).

Submission:

Dasa
Classification: Uncertain significance. Last evaluated: 2024-12-09. Review status: criteria provided, single submitter. Criteria: DASA Assertion Criteria. Collection method: clinical testing. Allele origin: germline.
Comment: NM_007118.4(TRIO):c.8486A>G (p.Lys2829Arg) is a missense variant that results in the substitution of lysine with arginine. This variant is absent from population databases. Computational prediction algorithms are consistent with a benign effect. The currently available literature and clinical evidence are not sufficient to establish a definitive association between this variant and the reported condition. Therefore, this variant is classified as a variant of uncertain significance.